The following is an entry in ClinVar:

ClinVar aggregate classification (germline): Uncertain significance (1 of 4 stars; one submission).

Submission:

Labcorp Genetics (formerly Invitae), Labcorp
Classification: Uncertain significance. Last evaluated: 2024-02-24. Review status: criteria provided, single submitter. Criteria: Invitae Variant Classification Sherloc (09022015). Collection method: clinical testing. Allele origin: germline.
Comment: This sequence change replaces glutamic acid, which is acidic and polar, with glycine, which is neutral and non-polar, at codon 176 of the ZNF408 protein (p.Glu176Gly). This variant is not present in population databases (gnomAD no frequency). This variant has not been reported in the literature in individuals affected with ZNF408-related conditions. ClinVar contains an entry for this variant (Variation ID: 1377993). An algorithm developed to predict the effect of missense changes on protein structure and function (PolyPhen-2) suggests that this variant is likely to be tolerated. In summary, the available evidence is currently insufficient to determine the role of this variant in disease. Therefore, it has been classified as a Variant of Uncertain Significance.

NM_024741.3(ZNF408):c.527A>G (p.Glu176Gly)

Gene: ZNF408 (zinc finger protein 408; plus strand). Cytogenetic location: 11p11.2.
Variant type: single nucleotide variant.
Coding change: c.527A>G on transcript NM_024741.3 (MANE Select); coding-DNA position 527, A replaced by G.
Protein change: p.Glu176Gly; replaces glutamic acid 176 with glycine.
Molecular consequence: missense variant.
Genome position (GRCh38, 1-based): chr11:46,703,118, A>G. VCF-style: chr11-46703118-A-G. GRCh37 (hg19) VCF-style: chr11-46724668-A-G.
Other names: c.503A>G, p.Glu168Gly (NM_001184751.2); short protein forms E168G, E176G.
Identifiers: ClinVar variation 1377993 (VCV001377993.8), dbSNP rs1241761884, ClinGen allele CA380252434.